The following is an entry in ClinVar:

NM_000254.3(MTR):c.*286C>T

Gene: MTR (5-methyltetrahydrofolate-homocysteine methyltransferase; plus strand). Cytogenetic location: 1q43.
Variant type: single nucleotide variant.
Coding change: c.*286C>T on transcript NM_000254.3 (MANE Select); 286 bases downstream of the stop codon, C replaced by T.
Molecular consequence: 3 prime UTR variant.
Genome position (GRCh38, 1-based): chr1:236,897,930, C>T. VCF-style: chr1-236897930-C-T. GRCh37 (hg19) VCF-style: chr1-237061230-C-T.
Other names: c.*286C>T (NM_001291939.1, NM_001291940.2).
Identifiers: ClinVar variation 296589 (VCV000296589.5), dbSNP rs78201060, ClinGen allele CA10610624.
Genomic context (GRCh38, chr1:236,897,930, plus strand): 5'-AGCAGGGTTCCTGTGGTTTCCCTGGTCCCTCTGAGATGGGGACAGACTGAAGACAGAGGT[C>T]GTTTGATTTCAAAGCAAGTCAACCTGCTTTTTTCTGTTTTTACAGTGGAATCTAGGAGGC-3'

ClinVar aggregate classification (germline): Likely benign (1 of 4 stars; one submission).

Conditions:
Disorders of Intracellular Cobalamin Metabolism. Identifiers: MedGen CN043592.

Allele frequency attached by ClinVar (database versions not stated): 1000 Genomes Project 0.00140; 1000 Genomes Project 30x 0.00172; gnomAD 0.00268; TOPMed 0.00330.

Submission:

Illumina Laboratory Services, Illumina
Classification: Likely benign for Disorders of Intracellular Cobalamin Metabolism. Last evaluated: 2018-01-13. Review status: criteria provided, single submitter. Criteria: ICSL Variant Classification Criteria 13 December 2019. Collection method: clinical testing. Allele origin: germline.
Comment: This variant was observed in the ICSL laboratory as part of a predisposition screen in an ostensibly healthy population. It had not been previously curated by ICSL or reported in the Human Gene Mutation Database (HGMD: prior to June 1st, 2018), and was therefore a candidate for classification through an automated scoring system. Utilizing variant allele frequency, disease prevalence and penetrance estimates, and inheritance mode, an automated score was calculated to assess if this variant is too frequent to cause the disease. Based on the score and internal cut-off values, a variant classified as likely benign is not then subjected to further curation. The score for this variant resulted in a classification of likely benign for this disease.